The following is an entry in ClinVar:

NM_001184.4(ATR):c.4007T>A (p.Val1336Glu)

Gene: ATR (ATR checkpoint kinase; minus strand). Cytogenetic location: 3q23.
Variant type: single nucleotide variant.
Coding change: c.4007T>A on transcript NM_001184.4 (MANE Select); coding-DNA position 4007, T replaced by A.
Protein change: p.Val1336Glu; replaces valine 1336 with glutamic acid.
Molecular consequence: missense variant.
Genome position (GRCh38, 1-based): chr3:142,524,138, A>T on the plus strand (T>A on the coding strand, the complement: ATR is on the minus strand). VCF-style: chr3-142524138-A-T. GRCh37 (hg19) VCF-style: chr3-142242980-A-T.
Other names: c.3815T>A, p.Val1272Glu (NM_001354579.2); short protein forms V1336E, V1272E.
Identifiers: ClinVar variation 1047408 (VCV001047408.11), dbSNP rs2033272014, ClinGen allele CA354802676.

ClinVar aggregate classification (germline): Uncertain significance. Review status: criteria provided, multiple submitters, no conflicts (2 of 4 stars). 4 submissions from 3 submitters: Uncertain significance (4). Last evaluated 2023-02-08.

Conditions:
Seckel syndrome 1 (SCKL1). Also called: MICROCEPHALIC PRIMORDIAL DWARFISM I. Identifiers: Orphanet 808, MedGen C4551474, MONDO:0008869, OMIM 210600.
Familial cutaneous telangiectasia and oropharyngeal predisposition cancer syndrome. Identifiers: Orphanet 313846, MedGen C3281203, MONDO:0013806, OMIM 614564.
Inborn genetic diseases. Identifiers: MedGen C0950123, MeSH D030342.

Submissions (4):

Genome-Nilou Lab
Classification: Uncertain significance for Seckel syndrome 1. Last evaluated: 2023-02-08. Review status: criteria provided, single submitter. Criteria: ACMG Guidelines, 2015. Collection method: clinical testing. Allele origin: germline.

Genome-Nilou Lab
Classification: Uncertain significance for Familial cutaneous telangiectasia and oropharyngeal predisposition cancer syndrome. Last evaluated: 2023-02-08. Review status: criteria provided, single submitter. Criteria: ACMG Guidelines, 2015. Collection method: clinical testing. Allele origin: germline.

Ambry Genetics
Classification: Uncertain significance for Inborn genetic diseases. Last evaluated: 2022-06-28. Review status: criteria provided, single submitter. Criteria: Ambry Variant Classification Scheme 2023. Collection method: clinical testing. Allele origin: germline.
Comment: The p.V1336E variant (also known as c.4007T>A), located in coding exon 22 of the ATR gene, results from a T to A substitution at nucleotide position 4007. The valine at codon 1336 is replaced by glutamic acid, an amino acid with dissimilar properties. This amino acid position is conserved. In addition, the in silico prediction for this alteration is inconclusive. Since supporting evidence is limited at this time, the clinical significance of this alteration remains unclear.

Labcorp Genetics (formerly Invitae), Labcorp
Classification: Uncertain significance. Last evaluated: 2020-09-08. Review status: criteria provided, single submitter. Criteria: Invitae Variant Classification Sherloc (09022015). Collection method: clinical testing. Allele origin: germline.
Comment: This sequence change replaces valine with glutamic acid at codon 1336 of the ATR protein (p.Val1336Glu). The valine residue is highly conserved and there is a moderate physicochemical difference between valine and glutamic acid. This variant is not present in population databases (ExAC no frequency). This variant has not been reported in the literature in individuals with ATR-related conditions. Algorithms developed to predict the effect of missense changes on protein structure and function (SIFT, PolyPhen-2, Align-GVGD) all suggest that this variant is likely to be disruptive, but these predictions have not been confirmed by published functional studies and their clinical significance is uncertain. In summary, the available evidence is currently insufficient to determine the role of this variant in disease. Therefore, it has been classified as a Variant of Uncertain Significance.